The following is an entry in ClinVar:

NM_005655.4(KLF10):c.769G>A (p.Val257Ile)

Gene: KLF10 (KLF transcription factor 10; minus strand). Cytogenetic location: 8q22.3.
Variant type: single nucleotide variant.
Coding change: c.769G>A on transcript NM_005655.4 (MANE Select); coding-DNA position 769, G replaced by A.
Protein change: p.Val257Ile; replaces valine 257 with isoleucine.
Molecular consequence: missense variant.
Genome position (GRCh38, 1-based): chr8:102,651,563, C>T on the plus strand (G>A on the coding strand, the complement: KLF10 is on the minus strand). VCF-style: chr8-102651563-C-T. GRCh37 (hg19) VCF-style: chr8-103663791-C-T.
Other names: c.736G>A, p.Val246Ile (NM_001032282.4); short protein forms V246I, V257I.
Identifiers: ClinVar variation 1477314 (VCV001477314.6), dbSNP rs1490570907, ClinGen allele CA371627211.

ClinVar aggregate classification (germline): Uncertain significance (1 of 4 stars; one submission).

Allele frequency attached by ClinVar (database versions not stated): gnomAD exomes 0.00001 and 0.00002; TOPMed 0.00001.

Submission:

Labcorp Genetics (formerly Invitae), Labcorp
Classification: Uncertain significance. Last evaluated: 2022-07-07. Review status: criteria provided, single submitter. Criteria: Invitae Variant Classification Sherloc (09022015). Collection method: clinical testing. Allele origin: germline.
Comment: This sequence change replaces valine, which is neutral and non-polar, with isoleucine, which is neutral and non-polar, at codon 257 of the KLF10 protein (p.Val257Ile). In summary, the available evidence is currently insufficient to determine the role of this variant in disease. Therefore, it has been classified as a Variant of Uncertain Significance. Algorithms developed to predict the effect of missense changes on protein structure and function (SIFT, PolyPhen-2, Align-GVGD) all suggest that this variant is likely to be tolerated. ClinVar contains an entry for this variant (Variation ID: 1477314). This variant has not been reported in the literature in individuals affected with KLF10-related conditions. This variant is present in population databases (no rsID available, gnomAD 0.01%).